The following is an entry in ClinVar:

NM_000138.5(FBN1):c.5912del (p.Cys1971fs)

Gene: FBN1 (fibrillin 1; minus strand). Cytogenetic location: 15q21.1.
Variant type: Deletion.
Coding change: c.5912del on transcript NM_000138.5 (MANE Select); coding-DNA position 5912, one base deleted (G; older notation c.5912delG).
Protein change: p.Cys1971fs; shifts the reading frame from cysteine 1971.
Molecular consequence: frameshift variant.
Genome position (GRCh38, 1-based): chr15:48,445,381, C deleted on the plus strand (G on the coding strand, the reverse complement: FBN1 is on the minus strand). VCF-style (leftmost placement, unchanged base first): chr15-48445380-AC-A. GRCh37 (hg19) VCF-style: chr15-48737577-AC-A.
Other names: short protein forms C1971fs.
Identifiers: ClinVar variation 857721 (VCV000857721.1), dbSNP rs2043150170, ClinGen allele CA916082418.

ClinVar aggregate classification (germline): Pathogenic (1 of 4 stars; one submission).

Conditions:
Familial thoracic aortic aneurysm and aortic dissection (TAAD). Also called: Thoracic aortic aneurysms and dissections. Identifiers: Orphanet 91387, MedGen C4707243, MONDO:0019625.
Marfan syndrome (MFS). Also called: FBN1-Related Marfan Syndrome; Marfan's syndrome; MARFAN SYNDROME, TYPE I; Marfan syndrome type 1; Marfan syndrome, classic. Identifiers: Orphanet 284963, Orphanet 558, MedGen C0024796, MONDO:0007947, OMIM 154700.

Submission:

Labcorp Genetics (formerly Invitae), Labcorp
Classification: Pathogenic for Marfan syndrome; Familial thoracic aortic aneurysm and aortic dissection. Last evaluated: 2019-02-15. Review status: criteria provided, single submitter. Criteria: Invitae Variant Classification Sherloc (09022015). Collection method: clinical testing. Allele origin: germline.
Comment: This sequence change creates a premature translational stop signal (p.Cys1971Leufs*9) in the FBN1 gene. It is expected to result in an absent or disrupted protein product. This variant is not present in population databases (ExAC no frequency). This variant has not been reported in the literature in individuals with FBN1-related conditions. Loss-of-function variants in FBN1 are known to be pathogenic (PMID: 17657824, 19293843). For these reasons, this variant has been classified as Pathogenic.